The following is an entry in ClinVar:

ClinVar aggregate classification (germline): Uncertain significance (1 of 4 stars; one submission).

Conditions:
Inborn genetic diseases. Identifiers: MedGen C0950123, MeSH D030342.

Submission:

Ambry Genetics
Classification: Uncertain significance for Inborn genetic diseases. Last evaluated: 2025-07-05. Review status: criteria provided, single submitter. Criteria: Ambry Variant Classification Scheme 2023. Collection method: clinical testing. Allele origin: germline.
Comment: The p.L359P variant (also known as c.1076T>C), located in coding exon 5 of the SH2B3 gene, results from a T to C substitution at nucleotide position 1076. The leucine at codon 359 is replaced by proline, an amino acid with similar properties. This amino acid position is conserved. In addition, this alteration is predicted to be deleterious by in silico analysis. Based on the available evidence, the clinical significance of this variant remains unclear.

NM_005475.3(SH2B3):c.1076T>C (p.Leu359Pro)

Gene: SH2B3 (SH2B adaptor protein 3; plus strand). Cytogenetic location: 12q24.12.
Variant type: single nucleotide variant.
Coding change: c.1076T>C on transcript NM_005475.3 (MANE Select); coding-DNA position 1076, T replaced by C.
Protein change: p.Leu359Pro; replaces leucine 359 with proline.
Molecular consequence: missense variant.
Genome position (GRCh38, 1-based): chr12:111,447,384, T>C. VCF-style: chr12-111447384-T-C. GRCh37 (hg19) VCF-style: chr12-111885188-T-C.
Other names: c.470T>C, p.Leu157Pro (NM_001291424.1); short protein forms L157P, L359P.
Identifiers: ClinVar variation 4163933 (VCV004163933.1).
Genomic context (GRCh38, chr12:111,447,384, plus strand): 5'-TAACAGGTGCTTCTCCTGGGGGGCTGCTGGACCCGGCCTGCCAGAAGACGGACCATTTCC[T>C]GTCCTGCTACCCCTGGTTCCACGGCCCCATCTCCAGAGTGAAAGCAGCTCAGCTGGTTCA-3'
Protein context (NP_005466.1, residues 349-369): DPACQKTDHF[Leu359Pro]SCYPWFHGPI